The following is an entry in ClinVar:

ClinVar aggregate classification (germline): Pathogenic (1 of 4 stars; one submission).

Conditions:
Beckwith-Wiedemann syndrome (BWS). Also called: EMG SYNDROME; Exomphalos macroglossia gigantism syndrome. Identifiers: Orphanet 116, MedGen C0004903, MONDO:0007534, OMIM 130650.

Submission:

Labcorp Genetics (formerly Invitae), Labcorp
Classification: Pathogenic for Beckwith-Wiedemann syndrome. Last evaluated: 2020-02-02. Review status: criteria provided, single submitter. Criteria: Invitae Variant Classification Sherloc (09022015). Collection method: clinical testing. Allele origin: germline.
Comment: This sequence change creates a premature translational stop signal (p.Glu120*) in the CDKN1C gene. It is expected to result in an absent or disrupted protein product. The frequency data for this variant in the population databases is considered unreliable, as metrics indicate insufficient coverage at this position in the ExAC database. This variant has not been reported in the literature in individuals with CDKN1C-related conditions. Loss-of-function variants in CDKN1C are known to be pathogenic (PMID: 20503313). For these reasons, this variant has been classified as Pathogenic.

Literature cited by the submitters: PubMed 20503313.

NM_001122630.2(CDKN1C):c.325G>T (p.Glu109Ter)

Gene: CDKN1C (cyclin dependent kinase inhibitor 1C; minus strand). Cytogenetic location: 11p15.4.
Variant type: single nucleotide variant.
Coding change: c.325G>T on transcript NM_001122630.2 (MANE Select); coding-DNA position 325, G replaced by T.
Protein change: p.Glu109Ter; replaces glutamic acid 109 with a stop codon.
Molecular consequence: nonsense. On other transcripts: intron variant (1).
Genome position (GRCh38, 1-based): chr11:2,885,132, C>A on the plus strand (G>T on the coding strand, the complement: CDKN1C is on the minus strand). VCF-style: chr11-2885132-C-A. GRCh37 (hg19) VCF-style: chr11-2906362-C-A.
Other names: c.358G>T, p.Glu120Ter (NM_000076.2, NM_001362474.2); c.325G>T, p.Glu109Ter (NM_001122631.2); c.255+70G>T (NM_001362475.2); short protein forms E109*, E120*.
Identifiers: ClinVar variation 1071455 (VCV001071455.7), dbSNP rs1220263188, ClinGen allele CA379146865.